The following is an entry in ClinVar:

NC_000019.10:g.(?_46755431)_(46756958_?)del

Gene: FKRP (fukutin related protein; plus strand). Cytogenetic location: 19q13.32.
Variant type: Deletion.
Identifiers: ClinVar variation 642043 (VCV000642043.1).

ClinVar aggregate classification (germline): Pathogenic (1 of 4 stars; one submission).

Conditions:
Walker-Warburg congenital muscular dystrophy. Also called: Muscular dystrophy-dystroglycanopathy, type A; Walker-Warburg syndrome. Identifiers: Orphanet 899, MedGen C0265221, MONDO:0000171.

Submission:

Labcorp Genetics (formerly Invitae), Labcorp
Classification: Pathogenic for Walker-Warburg congenital muscular dystrophy. Last evaluated: 2018-07-30. Review status: criteria provided, single submitter. Criteria: Invitae Variant Classification Sherloc (09022015). Collection method: clinical testing. Allele origin: germline.
Comment: A gross deletion of the genomic region encompassing the full coding sequence of the FKRP gene has been identified. The boundaries of this event are unknown as the deletion extends beyond the assayed region for this gene and therefore may encompass additional genes. This variant has not been reported in the literature in individuals with FKRP-related disease. Loss-of-function variants in FKRP are known to be pathogenic (PMID: 11592034, 12707425, 23591631). For these reasons, this variant has been classified as Pathogenic.